The following is an entry in ClinVar:

ClinVar aggregate classification (germline): Likely pathogenic (1 of 4 stars; one submission).

Conditions:
Polycystic kidney disease 4 (PKD4). Also called: POLYCYSTIC KIDNEY AND HEPATIC DISEASE 1; POLYCYSTIC KIDNEY DISEASE, INFANTILE, TYPE I; POLYCYSTIC KIDNEY DISEASE 4 WITH OR WITHOUT POLYCYSTIC LIVER DISEASE; PKD3; Autosomal Recessive Polycystic Kidney Disease – PKHD1. Identifiers: MedGen C4540575, MONDO:0033004, OMIM 263200.

Submission:

Myriad Genetics, Inc.
Classification: Likely pathogenic for Polycystic kidney disease 4. Last evaluated: 2022-03-30. Review status: criteria provided, single submitter. Criteria: Myriad Women's Health Autosomal Recessive and X-Linked Classification Criteria (2021). Collection method: clinical testing. Allele origin: unknown.
Comment: NM_138694.3(PKHD1):c.5249delG(G1750Efs*53) is expected to be pathogenic in the context of autosomal recessive polycystic kidney disease, PKHD1-related. This variant is predicted to lead to an abnormal or absent protein product due to the creation of a premature termination codon in PKHD1, a gene where loss-of-function variants are known to be pathogenic. Please note: this variant was assessed in the context of healthy population screening.

NM_138694.4(PKHD1):c.5249del (p.Gly1750fs)

Gene: PKHD1 (PKHD1 ciliary IPT domain containing fibrocystin/polyductin; minus strand). Cytogenetic location: 6p12.2.
Variant type: Deletion.
Coding change: c.5249del on transcript NM_138694.4 (MANE Select); coding-DNA position 5249, one base deleted (G; older notation c.5249delG).
Protein change: p.Gly1750fs; shifts the reading frame from glycine 1750.
Molecular consequence: frameshift variant.
Genome position (GRCh38, 1-based): chr6:52,022,932, C deleted on the plus strand (G on the coding strand, the reverse complement: PKHD1 is on the minus strand); the first of 2 consecutive C bases (chr6:52,022,932-52,022,933); deleting either gives the same sequence. VCF-style (leftmost placement, unchanged base first): chr6-52022931-TC-T. GRCh37 (hg19) VCF-style: chr6-51887729-TC-T.
Other names: c.5249del, p.Gly1750fs (NM_170724.3); short protein forms G1750fs.
Identifiers: ClinVar variation 1725542 (VCV001725542.2), dbSNP rs2532657307, ClinGen allele CA2580075500.